The following is an entry in ClinVar:

NM_000051.4(ATM):c.1918A>T (p.Lys640Ter)

Gene: ATM (ATM serine/threonine kinase; plus strand). Cytogenetic location: 11q22.3.
Variant type: single nucleotide variant.
Coding change: c.1918A>T on transcript NM_000051.4 (MANE Select); coding-DNA position 1918, A replaced by T.
Protein change: p.Lys640Ter; replaces lysine 640 with a stop codon.
Molecular consequence: nonsense.
Genome position (GRCh38, 1-based): chr11:108,253,833, A>T. VCF-style: chr11-108253833-A-T. GRCh37 (hg19) VCF-style: chr11-108124560-A-T.
Other names: c.1918A>T, p.Lys640Ter (NM_001351834.2); short protein forms K640*.
Identifiers: ClinVar variation 246276 (VCV000246276.17), dbSNP rs879254190, ClinGen allele CA10584327.

ClinVar aggregate classification (germline): Pathogenic/Likely pathogenic. Review status: criteria provided, multiple submitters, no conflicts (2 of 4 stars). 5 submissions from 5 submitters: Pathogenic (3); Likely pathogenic (2). Last evaluated 2025-11-10.

Conditions:
Familial cancer of breast. Also called: BREAST CANCER, FAMILIAL; Hereditary breast cancer; hereditary breast carcinoma. Identifiers: Orphanet 227535, MedGen C0346153, MONDO:0016419, OMIM 114480. Disease mechanism: loss of function.
Ataxia-telangiectasia syndrome (AT). Also called: Cerebello-oculocutaneous telangiectasia; Immunodeficiency with ataxia telangiectasia; Ataxia-telangiectasia; Ataxia telangiectasia (A-T); LOUIS-BAR SYNDROME; Ataxia-telangiectasia, complementation group D. Identifiers: Orphanet 100, MedGen C0004135, MONDO:0008840, OMIM 208900.
Hereditary cancer-predisposing syndrome. Also called: Neoplastic Syndromes, Hereditary; Tumor predisposition; Hereditary neoplastic syndrome; Hereditary Cancer Syndrome. Identifiers: Orphanet 140162, MedGen C0027672, MeSH D009386, MONDO:0015356.

gnomAD v4.1: 1 of 1,613,716 alleles (0.000062%); highest among the groups gnomAD compares: Non-Finnish European, 0.000085%; no homozygotes.

Submissions (5):

Labcorp Genetics (formerly Invitae), Labcorp
Classification: Pathogenic for Ataxia-telangiectasia syndrome. Last evaluated: 2025-11-10. Review status: criteria provided, single submitter. Criteria: Invitae Variant Classification Sherloc (09022015). Collection method: clinical testing. Allele origin: germline.
Comment: This sequence change creates a premature translational stop signal (p.Lys640*) in the ATM gene. It is expected to result in an absent or disrupted protein product. Loss-of-function variants in ATM are known to be pathogenic (PMID: 23807571, 25614872). This variant is not present in population databases (gnomAD no frequency). This premature translational stop signal has been observed in individual(s) with breast cancer (PMID: 20678261). ClinVar contains an entry for this variant (Variation ID: 246276). Algorithms developed to predict the effect of sequence changes on RNA splicing suggest that this variant may disrupt the consensus splice site. For these reasons, this variant has been classified as Pathogenic.

Myriad Genetics, Inc.
Classification: Pathogenic for Familial cancer of breast. Last evaluated: 2024-01-16. Review status: criteria provided, single submitter. Criteria: Myriad Autosomal Dominant, Autosomal Recessive and X-Linked Classification Criteria (2023). Collection method: clinical testing. Allele origin: unknown.
Comment: This variant is considered pathogenic. This variant creates a termination codon and is predicted to result in premature protein truncation.

Fulgent Genetics
Classification: Likely pathogenic for Familial cancer of breast; Ataxia-telangiectasia syndrome. Last evaluated: 2022-05-20. Review status: criteria provided, single submitter. Criteria: ACMG Guidelines, 2015. Collection method: clinical testing. Allele origin: unknown.

Ambry Genetics
Classification: Pathogenic for Hereditary cancer-predisposing syndrome. Last evaluated: 2022-03-01. Review status: criteria provided, single submitter. Criteria: Ambry Variant Classification Scheme 2023. Collection method: clinical testing. Allele origin: germline.
Comment: The p.K640* pathogenic mutation (also known as c.1918A>T), located in coding exon 12 of the ATM gene, results from an A to T substitution at nucleotide position 1918. This changes the amino acid from a lysine to a stop codon within coding exon 12. This alteration has been reported in a cohort of breast cancer patients, and functional characterization of this alteration using patient RNA shows the production of an abnormal RT-PCR amplicon missing exon 11 (Fang Z et al. Genome Integr, 2010 Jun;1:9). This variant is considered to be rare based on population cohorts in the Genome Aggregation Database (gnomAD). This alteration is expected to result in loss of function by premature protein truncation or nonsense-mediated mRNA decay. As such, this alteration is interpreted as a disease-causing mutation.

GeneDx
Classification: Likely pathogenic. Last evaluated: 2015-12-28. Review status: criteria provided, single submitter. Criteria: GeneDx Variant Classification (06012015). Collection method: clinical testing. Allele origin: germline. Affected: yes.
Comment: This variant is denoted ATM c.1918A>T at the cDNA level and p.Lys640Ter (K640X) at the protein level. The substitution creates a nonsense variant, which changes a Lysine to a premature stop codon (AAA>TAA), and is predicted to cause loss of normal protein function through either protein truncation or nonsense-mediated mRNA decay. This variant has been reported in at least one individual with breast cancer and is considered likely pathogenic (Fang 2010).

Literature cited by the submitters: PubMed 23807571 (cited by Labcorp Genetics (formerly Invitae), Labcorp); PubMed 25614872 (cited by Labcorp Genetics (formerly Invitae), Labcorp); PubMed 20678261 (cited by Labcorp Genetics (formerly Invitae), Labcorp and Ambry Genetics).